The following is an entry in ClinVar:

ClinVar aggregate classification (germline): Uncertain significance (1 of 4 stars; one submission).

Allele frequency attached by ClinVar (database versions not stated): gnomAD exomes below 0.00001 and 0.00001; TOPMed below 0.00001; ExAC 0.00001; gnomAD 0.00001.
gnomAD v4.1: 11 of 1,613,008 alleles (0.00068%); highest among the groups gnomAD compares: African/African-American, 0.0013%; no homozygotes.

Submission:

Labcorp Genetics (formerly Invitae), Labcorp
Classification: Uncertain significance. Last evaluated: 2022-06-05. Review status: criteria provided, single submitter. Criteria: Invitae Variant Classification Sherloc (09022015). Collection method: clinical testing. Allele origin: germline.
Comment: In summary, the available evidence is currently insufficient to determine the role of this variant in disease. Therefore, it has been classified as a Variant of Uncertain Significance. Algorithms developed to predict the effect of missense changes on protein structure and function are either unavailable or do not agree on the potential impact of this missense change (SIFT: "Deleterious"; PolyPhen-2: "Possibly Damaging"; Align-GVGD: "Class C0"). ClinVar contains an entry for this variant (Variation ID: 1382116). This variant has not been reported in the literature in individuals affected with INPPL1-related conditions. This variant is present in population databases (rs752481328, gnomAD 0.0009%). This sequence change replaces proline, which is neutral and non-polar, with leucine, which is neutral and non-polar, at codon 1054 of the INPPL1 protein (p.Pro1054Leu).

NM_001567.4(INPPL1):c.3161C>T (p.Pro1054Leu)

Gene: INPPL1 (inositol polyphosphate phosphatase like 1; plus strand). Cytogenetic location: 11q13.4.
Variant type: single nucleotide variant.
Coding change: c.3161C>T on transcript NM_001567.4 (MANE Select); coding-DNA position 3161, C replaced by T.
Protein change: p.Pro1054Leu; replaces proline 1054 with leucine.
Molecular consequence: missense variant.
Genome position (GRCh38, 1-based): chr11:72,237,405, C>T. VCF-style: chr11-72237405-C-T. GRCh37 (hg19) VCF-style: chr11-71948449-C-T.
Other names: short protein forms P1054L.
Identifiers: ClinVar variation 1382116 (VCV001382116.5), dbSNP rs752481328, ClinGen allele CA6170566.
Genomic context (GRCh38, chr11:72,237,405, plus strand): 5'-TGGGAGAGGGGAGTTCTTCAGATGAGGAGTCTGGAGGCACACTGCCCCCTCCAGACTTTC[C>T]ACCTCCACCACTGCCGGACTCAGCCATCTTCCTGCCCCCCAGCCTGGATCCTTTACCAGG-3'
Protein context (NP_001558.3, residues 1044-1064): SGGTLPPPDF[Pro1054Leu]PPPLPDSAIF